The following is an entry in ClinVar:

NC_000003.12:g.(?_10052377)_(10149975_?)del

Genes: BRK1 (BRICK1 subunit of SCAR/WAVE actin nucleating complex; plus strand), FANCD2 (FA complementation group D2; plus strand), FANCD2OS (FANCD2 opposite strand; minus strand), VHL (von Hippel-Lindau tumor suppressor; plus strand), LOC107303338 (3p25 FANCD2 Alu-mediated recombination region; plus strand) and 4 more. Cytogenetic location: 3p25.3.
Variant type: Deletion.
Identifiers: ClinVar variation 665653 (VCV000665653.2).

ClinVar aggregate classification (germline): Pathogenic (1 of 4 stars; one submission).

Conditions:
Von Hippel-Lindau syndrome (VHLS). Also called: Von Hippel-Lindau; VHL syndrome; von Hippel–Lindau syndrome. Identifiers: Orphanet 892, MedGen C0019562, MONDO:0008667, OMIM 193300. Disease mechanism: loss of function.
Chuvash polycythemia. Also called: POLYCYTHEMIA, VHL-DEPENDENT. Identifiers: Orphanet 238557, MedGen C1837915, MONDO:0009892, OMIM 263400.

Submission:

Labcorp Genetics (formerly Invitae), Labcorp
Classification: Pathogenic for Von Hippel-Lindau syndrome; Erythrocytosis, familial, 2. Last evaluated: 2019-03-31. Review status: criteria provided, single submitter. Criteria: Invitae Variant Classification Sherloc (09022015). Collection method: clinical testing. Allele origin: germline.
Comment: A gross deletion of the genomic region encompassing the full coding sequence of the VHL gene has been identified. The boundaries of this event are unknown as the deletion extends beyond the assayed region for this gene and therefore may encompass additional genes. Similar gross deletions have been observed in multiple individuals and families with von Hippel-Lindau disease (PMID: 19764026, 10830910, 19280651, 10567493, 8634692, 17537157, 20567917). Loss-of-function variants in VHL are known to be pathogenic (PMID: 8956040, 12202531). For these reasons, this variant has been classified as Pathogenic.

Literature cited by the submitters: PubMed 19764026; PubMed 8634692; PubMed 10830910; PubMed 10567493; PubMed 20567917; PubMed 17537157; PubMed 19280651.